The following is an entry in ClinVar:

NM_003737.4(DCHS1):c.4744T>A (p.Tyr1582Asn)

Gene: DCHS1 (dachsous cadherin-related 1; minus strand). Cytogenetic location: 11p15.4.
Variant type: single nucleotide variant.
Coding change: c.4744T>A on transcript NM_003737.4 (MANE Select); coding-DNA position 4744, T replaced by A.
Protein change: p.Tyr1582Asn; replaces tyrosine 1582 with asparagine.
Molecular consequence: missense variant.
Genome position (GRCh38, 1-based): chr11:6,630,050, A>T on the plus strand (T>A on the coding strand, the complement: DCHS1 is on the minus strand). VCF-style: chr11-6630050-A-T. GRCh37 (hg19) VCF-style: chr11-6651281-A-T.
Other names: short protein forms Y1582N.
Identifiers: ClinVar variation 4741871 (VCV004741871.1).

ClinVar aggregate classification (germline): Uncertain significance (1 of 4 stars; one submission).

gnomAD v4.1: 1 of 1,560,096 alleles (0.000064%); highest among the groups gnomAD compares: Non-Finnish European, 0.000087%; no homozygotes.

Submission:

Labcorp Genetics (formerly Invitae), Labcorp
Classification: Uncertain significance. Last evaluated: 2025-10-06. Review status: criteria provided, single submitter. Criteria: Invitae Variant Classification Sherloc (09022015). Collection method: clinical testing. Allele origin: germline.
Comment: This sequence change replaces tyrosine, which is neutral and polar, with asparagine, which is neutral and polar, at codon 1582 of the DCHS1 protein (p.Tyr1582Asn). This variant is not present in population databases (gnomAD no frequency). This variant has not been reported in the literature in individuals affected with DCHS1-related conditions. Invitae Evidence Modeling of protein sequence and biophysical properties (such as structural, functional, and spatial information, amino acid conservation, physicochemical variation, residue mobility, and thermodynamic stability) indicates that this missense variant is not expected to disrupt DCHS1 protein function with a negative predictive value of 80%. In summary, the available evidence is currently insufficient to determine the role of this variant in disease. Therefore, it has been classified as a Variant of Uncertain Significance.